The following is an entry in ClinVar:

NM_139058.3(ARX):c.997A>G (p.Thr333Ala)

Gene: ARX (aristaless related homeobox; minus strand). Cytogenetic location: Xp21.3.
Variant type: single nucleotide variant.
Coding change: c.997A>G on transcript NM_139058.3 (MANE Select); coding-DNA position 997, A replaced by G.
Protein change: p.Thr333Ala; replaces threonine 333 with alanine.
Molecular consequence: missense variant.
Genome position (GRCh38, 1-based): chrX:25,012,998, T>C on the plus strand (A>G on the coding strand, the complement: ARX is on the minus strand). VCF-style: chrX-25012998-T-C. GRCh37 (hg19) VCF-style: chrX-25031115-T-C.
Other names: short protein forms T333A.
Identifiers: ClinVar variation 3757088 (VCV003757088.2).
Genomic context (GRCh38, chrX:25,012,998, plus strand): 5'-GGTAGTGCGTCTTCTGGAAGGCCCGCTCCAGTTCCTCCAGCTGGTAGCTGGTGAACGTGG[T>C]GCGGTAGCGCCTCTGTTTGCGTTTCAGCAGCCCCTCCTCCGAGTCGCTGCCCGCAGAGAG-3'
Protein context (NP_620689.1, residues 323-343): LLKRKQRRYR[Thr333Ala]TFTSYQLEEL

ClinVar aggregate classification (germline): Uncertain significance (1 of 4 stars; one submission).

Conditions:
Developmental and epileptic encephalopathy, 1 (DEE1). Also called: X-linked infantile spasms; West's syndrome; Tonic spasms with clustering, arrest of psychomotor development and hypsarrhythmia on EEG; X-Linked Infantile Spasm Syndrome; OHTAHARA SYNDROME, X-LINKED; Epileptic encephalopathy, early infantile, 1. Identifiers: MedGen C3463992, MONDO:0010632, OMIM 308350. Disease mechanism: loss of function.
Intellectual disability, X-linked, with or without seizures, ARX-related. Also called: Mental retardation, X-linked 52; MENTAL RETARDATION, X-LINKED 29; MENTAL RETARDATION, X-LINKED 32; MENTAL RETARDATION, X-LINKED 33; MENTAL RETARDATION, X-LINKED 38; MENTAL RETARDATION, X-LINKED 43. Identifiers: Orphanet 777, MedGen C0796244, MONDO:0010317, OMIM 300419.

Submission:

Labcorp Genetics (formerly Invitae), Labcorp
Classification: Uncertain significance for Developmental and epileptic encephalopathy, 1; Intellectual disability, X-linked, with or without seizures, ARX-related. Last evaluated: 2024-07-09. Review status: criteria provided, single submitter. Criteria: Invitae Variant Classification Sherloc (09022015). Collection method: clinical testing. Allele origin: germline.
Comment: This sequence change replaces threonine, which is neutral and polar, with alanine, which is neutral and non-polar, at codon 333 of the ARX protein (p.Thr333Ala). This variant is not present in population databases (gnomAD no frequency). This variant has not been reported in the literature in individuals affected with ARX-related conditions. Advanced modeling of protein sequence and biophysical properties (such as structural, functional, and spatial information, amino acid conservation, physicochemical variation, residue mobility, and thermodynamic stability) performed at Invitae indicates that this missense variant is expected to disrupt ARX protein function with a positive predictive value of 80%. This variant disrupts the p.Thr333 amino acid residue in ARX. Other variant(s) that disrupt this residue have been observed in individuals with ARX-related conditions (PMID: 14722918, 23583054), which suggests that this may be a clinically significant amino acid residue. In summary, the available evidence is currently insufficient to determine the role of this variant in disease. Therefore, it has been classified as a Variant of Uncertain Significance.

Literature cited by the submitters: PubMed 14722918; PubMed 23583054.